The following is an entry in ClinVar:

NM_001005273.3(CHD3):c.737C>T (p.Pro246Leu)

Gene: CHD3 (chromodomain helicase DNA binding protein 3; plus strand). Cytogenetic location: 17p13.1.
Variant type: single nucleotide variant.
Coding change: c.737C>T on transcript NM_001005273.3 (MANE Select); coding-DNA position 737, C replaced by T.
Protein change: p.Pro246Leu; replaces proline 246 with leucine.
Molecular consequence: missense variant.
Genome position (GRCh38, 1-based): chr17:7,893,513, C>T. VCF-style: chr17-7893513-C-T. GRCh37 (hg19) VCF-style: chr17-7796831-C-T.
Other names: c.914C>T, p.Pro305Leu (NM_001005271.3); c.737C>T, p.Pro246Leu (NM_005852.4); short protein forms P246L, P305L.
Identifiers: ClinVar variation 1804438 (VCV001804438.2), dbSNP rs1969190612, ClinGen allele CA397937433.

ClinVar aggregate classification (germline): Uncertain significance (1 of 4 stars; one submission).

Allele frequency attached by ClinVar (database versions not stated): TOPMed below 0.00001.
gnomAD v4.1: 1 of 1,586,520 alleles (0.000063%); highest among the groups gnomAD compares: African/African-American, 0.0014%; no homozygotes.

Submission:

GeneDx
Classification: Uncertain significance. Last evaluated: 2025-06-23. Review status: criteria provided, single submitter. Criteria: GeneDx Variant Classification Process June 2021. Collection method: clinical testing. Allele origin: germline.
Comment: Not observed at significant frequency in large population cohorts (gnomAD); In silico analysis supports that this missense variant has a deleterious effect on protein structure/function; Has not been previously published as pathogenic or benign to our knowledge